The following is an entry in ClinVar:

NM_001357.5(DHX9):c.3126C>G (p.Phe1042Leu)

Gene: DHX9 (DExH-box helicase 9; plus strand). Cytogenetic location: 1q25.3.
Variant type: single nucleotide variant.
Coding change: c.3126C>G on transcript NM_001357.5 (MANE Select); coding-DNA position 3126, C replaced by G.
Protein change: p.Phe1042Leu; replaces phenylalanine 1042 with leucine.
Molecular consequence: missense variant. On other transcripts: non-coding transcript variant (1).
Genome position (GRCh38, 1-based): chr1:182,883,350, C>G. VCF-style: chr1-182883350-C-G. GRCh37 (hg19) VCF-style: chr1-182852485-C-G.
Other names: short protein forms F1042L.
Identifiers: ClinVar variation 5020462 (VCV005020462.1).

ClinVar aggregate classification (germline): Uncertain significance (1 of 4 stars; one submission).

gnomAD v4.1: 1 of 1,613,740 alleles (0.000062%); highest among the groups gnomAD compares: South Asian, 0.0011%; no homozygotes.

Submission:

Dasa
Classification: Uncertain significance. Last evaluated: 2026-05-28. Review status: criteria provided, single submitter. Criteria: DASA Assertion Criteria. Collection method: clinical testing. Allele origin: germline.
Comment: NM_001357.5(DHX9):c.3126C>G (p.Phe1042Leu) is a missense variant that results in the substitution of phenylalanine with leucine. This variant is rare in population databases. The currently available literature and clinical evidence are not sufficient to establish a definitive association between this variant and the reported condition. Therefore, this variant is classified as a variant of uncertain significance.